The following is an entry in ClinVar:

NM_001750.7(CAST):c.412G>A (p.Gly138Arg)

Gene: CAST (calpastatin; plus strand). Cytogenetic location: 5q15.
Variant type: single nucleotide variant.
Coding change: c.412G>A on transcript NM_001750.7 (MANE Select); coding-DNA position 412, G replaced by A.
Protein change: p.Gly138Arg; replaces glycine 138 with arginine.
Molecular consequence: missense variant. On other transcripts: intron variant (12).
Genome position (GRCh38, 1-based): chr5:96,729,186, G>A. VCF-style: chr5-96729186-G-A. GRCh37 (hg19) VCF-style: chr5-96064890-G-A.
Other names: c.367G>A, p.Gly123Arg (NM_001330629.2); c.163G>A, p.Gly55Arg (NM_001330631.2, NM_001423250.1, NM_001423251.1 and 3 more transcripts); c.97G>A, p.Gly33Arg (NM_001330632.2, NM_001423253.1, NM_001423254.1 and 8 more transcripts); c.301G>A, p.Gly101Arg (NM_001375317.1); c.64-426G>A (NM_001423260.1, NM_001042444.3, NM_001284212.4 and 2 more transcripts); c.379-426G>A (NM_001042441.3, NM_001330626.2); c.313-426G>A (NM_001042440.5, NM_001330627.2); c.346G>A, p.Gly116Arg (NM_001042442.3); and 2 more; short protein forms G101R, G116R, G123R, G138R, G33R, G55R.
Identifiers: ClinVar variation 4755654 (VCV004755654.1).

ClinVar aggregate classification (germline): Uncertain significance (1 of 4 stars; one submission).

gnomAD v4.1: 889 of 1,599,852 alleles (0.056%); highest among the groups gnomAD compares: Non-Finnish European, 0.072%; 1 homozygote.

Submission:

GeneDx
Classification: Uncertain significance. Last evaluated: 2025-08-08. Review status: criteria provided, single submitter. Criteria: GeneDx Variant Classification Process June 2021. Collection method: clinical testing. Allele origin: germline. Affected: yes.
Comment: In silico analysis supports that this missense variant has a deleterious effect on protein structure/function; Has not been previously published as pathogenic or benign to our knowledge; Reported using an alternate transcript of the gene